The following is an entry in ClinVar:

ClinVar aggregate classification (germline): Uncertain significance (1 of 4 stars; one submission).

Allele frequency attached by ClinVar (database versions not stated): gnomAD 0.00001; TOPMed 0.00001; ExAC 0.00005.
gnomAD v4.1: 34 of 1,548,486 alleles (0.0022%); highest among the groups gnomAD compares: Non-Finnish European, 0.0026%; no homozygotes.

Submission:

Labcorp Genetics (formerly Invitae), Labcorp
Classification: Uncertain significance. Last evaluated: 2023-10-05. Review status: criteria provided, single submitter. Criteria: Invitae Variant Classification Sherloc (09022015). Collection method: clinical testing. Allele origin: germline.
Comment: This sequence change replaces glutamic acid, which is acidic and polar, with lysine, which is basic and polar, at codon 1135 of the MYH7B protein (p.Glu1135Lys). This variant is present in population databases (rs770481375, gnomAD 0.009%). This variant has not been reported in the literature in individuals affected with MYH7B-related conditions. Advanced modeling of protein sequence and biophysical properties (such as structural, functional, and spatial information, amino acid conservation, physicochemical variation, residue mobility, and thermodynamic stability) performed at Invitae indicates that this missense variant is not expected to disrupt MYH7B protein function. In summary, the available evidence is currently insufficient to determine the role of this variant in disease. Therefore, it has been classified as a Variant of Uncertain Significance.

NM_020884.7(MYH7B):c.3277G>A (p.Glu1093Lys)

Gene: MYH7B (myosin heavy chain 7B; plus strand). Cytogenetic location: 20q11.22.
Variant type: single nucleotide variant.
Coding change: c.3277G>A on transcript NM_020884.7 (MANE Select); coding-DNA position 3277, G replaced by A.
Protein change: p.Glu1093Lys; replaces glutamic acid 1093 with lysine.
Molecular consequence: missense variant.
Genome position (GRCh38, 1-based): chr20:34,997,093, G>A. VCF-style: chr20-34997093-G-A. GRCh37 (hg19) VCF-style: chr20-33584896-G-A.
Other names: short protein forms E1093K.
Identifiers: ClinVar variation 2980218 (VCV002980218.3), dbSNP rs770481375, ClinGen allele CA9827695.